The following is an entry in ClinVar:

NM_001282933.2(ZNF341):c.1851G>A (p.Ser617=)

Gene: ZNF341 (zinc finger protein 341; plus strand). Cytogenetic location: 20q11.22.
Variant type: single nucleotide variant.
Coding change: c.1851G>A on transcript NM_001282933.2 (MANE Select); coding-DNA position 1851, G replaced by A.
Protein change: p.Ser617=; no amino-acid change (serine 617 retained).
Molecular consequence: synonymous variant. On other transcripts: non-coding transcript variant (1).
Genome position (GRCh38, 1-based): chr20:33,783,863, G>A. VCF-style: chr20-33783863-G-A. GRCh37 (hg19) VCF-style: chr20-32371669-G-A.
Other names: c.1581G>A, p.Ser527= (NM_001282935.2); c.1830G>A, p.Ser610= (NM_032819.5).
Identifiers: ClinVar variation 3710924 (VCV003710924.2).

ClinVar aggregate classification (germline): Uncertain significance (1 of 4 stars; one submission).

gnomAD v4.1: 26 of 1,612,246 alleles (0.0016%); highest among the groups gnomAD compares: East Asian, 0.02%; 1 homozygote.

Submission:

Labcorp Genetics (formerly Invitae), Labcorp
Classification: Uncertain significance. Last evaluated: 2025-06-16. Review status: criteria provided, single submitter. Criteria: Invitae Variant Classification Sherloc (09022015). Collection method: clinical testing. Allele origin: germline.
Comment: This sequence change affects codon 610 of the ZNF341 mRNA. It is a 'silent' change, meaning that it does not change the encoded amino acid sequence of the ZNF341 protein. It affects a nucleotide within the consensus splice site. This variant is present in population databases (rs779567268, gnomAD 0.008%). This variant has not been reported in the literature in individuals affected with ZNF341-related conditions. ClinVar contains an entry for this variant (Variation ID: 3710924). Algorithms developed to predict the effect of sequence changes on RNA splicing suggest that this variant is not likely to affect RNA splicing. In summary, the available evidence is currently insufficient to determine the role of this variant in disease. Therefore, it has been classified as a Variant of Uncertain Significance.